The following is an entry in ClinVar:

ClinVar aggregate classification (germline): Uncertain significance. Review status: criteria provided, multiple submitters, no conflicts (2 of 4 stars). 4 submissions from 4 submitters: Uncertain significance (4). Last evaluated 2023-09-01.

Conditions:
Joubert syndrome. Also called: Familial aplasia of the vermis; JOUBERT-BOLTSHAUSER SYNDROME. Identifiers: Orphanet 475, MedGen C5979921, MONDO:0018772.
Joubert syndrome 3 (JBTS3). Also called: AHI1-related Ciliopathy. Identifiers: Orphanet 220493, MedGen C1837713, MONDO:0012078, OMIM 608629.

Allele frequency attached by ClinVar (database versions not stated): TOPMed 0.00001; ExAC 0.00003; gnomAD 0.00004 and 0.00005; gnomAD exomes 0.00004 and 0.00007.
gnomAD v4.1: 116 of 1,604,960 alleles (0.0072%); highest among the groups gnomAD compares: South Asian, 0.012%; no homozygotes.

Submissions (4):

Blueprint Genetics
Classification: Uncertain significance. Last evaluated: 2023-09-01. Review status: criteria provided, single submitter. Criteria: ACMG Guidelines, 2015. Collection method: clinical testing. Allele origin: germline.

Fulgent Genetics
Classification: Uncertain significance for Joubert syndrome 3. Last evaluated: 2021-12-29. Review status: criteria provided, single submitter. Criteria: ACMG Guidelines, 2015. Collection method: clinical testing. Allele origin: unknown.

Labcorp Genetics (formerly Invitae), Labcorp
Classification: Uncertain significance for Joubert syndrome. Last evaluated: 2021-09-07. Review status: criteria provided, single submitter. Criteria: Invitae Variant Classification Sherloc (09022015). Collection method: clinical testing. Allele origin: germline.
Comment: This sequence change replaces valine with isoleucine at codon 532 of the AHI1 protein (p.Val532Ile). The valine residue is highly conserved and there is a small physicochemical difference between valine and isoleucine. This variant is present in population databases (rs761804458, ExAC 0.02%). This variant has not been reported in the literature in individuals affected with AHI1-related conditions. Algorithms developed to predict the effect of missense changes on protein structure and function are either unavailable or do not agree on the potential impact of this missense change (SIFT: "Deleterious"; PolyPhen-2: "Possibly Damaging"; Align-GVGD: "Class C0"). In summary, the available evidence is currently insufficient to determine the role of this variant in disease. Therefore, it has been classified as a Variant of Uncertain Significance.

Illumina Laboratory Services, Illumina
Classification: Uncertain significance for Joubert syndrome 3. Last evaluated: 2018-01-13. Review status: criteria provided, single submitter. Criteria: ICSL Variant Classification Criteria 13 December 2019. Collection method: clinical testing. Allele origin: germline.

NM_001134831.2(AHI1):c.1594G>A (p.Val532Ile)

Gene: AHI1 (Abelson helper integration site 1; minus strand). Cytogenetic location: 6q23.3.
Variant type: single nucleotide variant.
Coding change: c.1594G>A on transcript NM_001134831.2 (MANE Select); coding-DNA position 1594, G replaced by A.
Protein change: p.Val532Ile; replaces valine 532 with isoleucine.
Molecular consequence: missense variant.
Genome position (GRCh38, 1-based): chr6:135,448,322, C>T on the plus strand (G>A on the coding strand, the complement: AHI1 is on the minus strand). VCF-style: chr6-135448322-C-T. GRCh37 (hg19) VCF-style: chr6-135769460-C-T.
Other names: c.1594G>A, p.Val532Ile (NM_001134830.2, NM_001134832.2, NM_001350503.2 and 2 more transcripts); short protein forms V532I.
Identifiers: ClinVar variation 906405 (VCV000906405.13), dbSNP rs761804458, ClinGen allele CA4012562.